The following is an entry in ClinVar:

NM_004415.4(DSP):c.4803G>A (p.Met1601Ile)

Gene: DSP (desmoplakin; plus strand). Cytogenetic location: 6p24.3.
Variant type: single nucleotide variant.
Coding change: c.4803G>A on transcript NM_004415.4 (MANE Select); coding-DNA position 4803, G replaced by A.
Protein change: p.Met1601Ile; replaces methionine 1601 with isoleucine.
Molecular consequence: missense variant. On other transcripts: intron variant (2).
Genome position (GRCh38, 1-based): chr6:7,580,993, G>A. VCF-style: chr6-7580993-G-A. GRCh37 (hg19) VCF-style: chr6-7581226-G-A.
Other names: c.4803G>A (LRG_423t1); c.4050+753G>A (NM_001319034.2); c.3582+1221G>A (NM_001008844.3); short protein forms M1601I.
Identifiers: ClinVar variation 222578 (VCV000222578.1), dbSNP rs869025392, ClinGen allele CA354006.
Genomic context (GRCh38, chr6:7,580,993, plus strand): 5'-GAGGACCGCGTCAGAAGACTCCTGCAAGAGGAAGAAGCTGGAGGAAGAGCTGGAAGGCAT[G>A]AGGAGGTCGCTGAAGGAGCAAGCCATCAAAATCACCAACCTGACCCAGCAGCTGGAGCAG-3'
Protein context (NP_004406.2, residues 1591-1611): RKKLEEELEG[Met1601Ile]RRSLKEQAIK

ClinVar aggregate classification (germline): Likely pathogenic (0 of 4 stars; one submission).

Conditions:
Arrhythmogenic right ventricular cardiomyopathy (ARVD). Also called: Cardiomyopathy, ARVC; Arrhythmogenic right ventricular dysplasia; Arrhythmogenic cardiomyopathy; Arrhythmogenic Right Ventricular Cardiomyopathy (ARVC). Identifiers: Orphanet 247, MedGen C0349788, MeSH D019571, MONDO:0016587. Disease mechanism: loss of function. Inheritance: Various modes of inheritance.

Allele frequency attached by ClinVar (database versions not stated): TOPMed below 0.00001.

Submission:

Rampazzo Lab,  Human Molecular Genetics Unit, University of Padua
Classification: Likely pathogenic for Arrhythmogenic right ventricular cardiomyopathy. Last evaluated: 2017-04-18. Review status: no assertion criteria provided. Collection method: research. Allele origin: inherited. Inheritance: Autosomal dominant inheritance. Affected: yes. Observed: 2 variant alleles.
Comment: This missense mutation is absent in all consulted databases of genetic variations (dbSNP, 1000Genomes, EVS and ExAC) and involves a highly conserved residue in the central rod domain.

Literature cited by the submitters: DOI 10.1016/j.hrthm.2011.06.026.